The following is an entry in ClinVar:

ClinVar aggregate classification (germline): Uncertain significance (1 of 4 stars; one submission).

Conditions:
Neuroblastoma, susceptibility to, 3. Also called: ALK-Related Neuroblastic Tumor Susceptibility. Identifiers: Orphanet 635, MedGen C2751681, MONDO:0013083, OMIM 613014.

Submission:

Labcorp Genetics (formerly Invitae), Labcorp
Classification: Uncertain significance for Neuroblastoma, susceptibility to, 3. Last evaluated: 2022-11-28. Review status: criteria provided, single submitter. Criteria: Invitae Variant Classification Sherloc (09022015). Collection method: clinical testing. Allele origin: germline.
Comment: This variant is not present in population databases (gnomAD no frequency). In summary, the available evidence is currently insufficient to determine the role of this variant in disease. Therefore, it has been classified as a Variant of Uncertain Significance. Algorithms developed to predict the effect of missense changes on protein structure and function are either unavailable or do not agree on the potential impact of this missense change (SIFT: "Deleterious"; PolyPhen-2: "Benign"; Align-GVGD: "Class C0"). This variant has not been reported in the literature in individuals affected with ALK-related conditions. This sequence change replaces isoleucine, which is neutral and non-polar, with phenylalanine, which is neutral and non-polar, at codon 676 of the ALK protein (p.Ile676Phe).

NM_004304.5(ALK):c.2026A>T (p.Ile676Phe)

Gene: ALK (ALK receptor tyrosine kinase; minus strand). Cytogenetic location: 2p23.2.
Variant type: single nucleotide variant.
Coding change: c.2026A>T on transcript NM_004304.5 (MANE Select); coding-DNA position 2026, A replaced by T.
Protein change: p.Ile676Phe; replaces isoleucine 676 with phenylalanine.
Molecular consequence: missense variant.
Genome position (GRCh38, 1-based): chr2:29,275,114, T>A on the plus strand (A>T on the coding strand, the complement: ALK is on the minus strand). VCF-style: chr2-29275114-T-A. GRCh37 (hg19) VCF-style: chr2-29497980-T-A.
Other names: short protein forms I676F.
Identifiers: ClinVar variation 2817153 (VCV002817153.3), dbSNP rs1665498306, ClinGen allele CA346479594.